The following is an entry in ClinVar:

ClinVar aggregate classification (germline): Benign/Likely benign. Review status: criteria provided, multiple submitters, no conflicts (2 of 4 stars). 3 submissions from 3 submitters: Benign (1); Likely benign (2). Last evaluated 2024-07-29.

Conditions:
Hereditary cancer-predisposing syndrome. Also called: Hereditary Cancer Syndrome; Hereditary neoplastic syndrome; Tumor predisposition; Neoplastic Syndromes, Hereditary. Identifiers: Orphanet 140162, MedGen C0027672, MeSH D009386, MONDO:0015356.
Familial cancer of breast. Also called: hereditary breast carcinoma; BREAST CANCER, FAMILIAL; Hereditary breast cancer. Identifiers: Orphanet 227535, MedGen C0346153, MONDO:0016419, OMIM 114480. Disease mechanism: loss of function.

gnomAD v4.1: 1 of 1,614,120 alleles (0.000062%); no homozygotes.

Submissions (3):

Myriad Genetics, Inc.
Classification: Benign for Familial cancer of breast. Last evaluated: 2024-07-29. Review status: criteria provided, single submitter. Criteria: Myriad Autosomal Dominant, Autosomal Recessive and X-Linked Classification Criteria (2023). Collection method: clinical testing. Allele origin: unknown.
Comment: This variant is considered benign. This variant is a silent/synonymous amino acid change and it is not expected to impact splicing.

Ambry Genetics
Classification: Likely benign for Hereditary cancer-predisposing syndrome. Last evaluated: 2022-03-18. Review status: criteria provided, single submitter. Criteria: Ambry Variant Classification Scheme 2023. Collection method: clinical testing. Allele origin: germline.

Labcorp Genetics (formerly Invitae), Labcorp
Classification: Likely benign for Familial cancer of breast. Last evaluated: 2019-10-16. Review status: criteria provided, single submitter. Criteria: Invitae Variant Classification Sherloc (09022015). Collection method: clinical testing. Allele origin: germline.

NM_000465.4(BARD1):c.2013G>T (p.Leu671=)

Gene: BARD1 (BRCA1 associated RING domain 1; minus strand). Cytogenetic location: 2q35.
Variant type: single nucleotide variant.
Coding change: c.2013G>T on transcript NM_000465.4 (MANE Select); coding-DNA position 2013, G replaced by T.
Protein change: p.Leu671=; no amino-acid change (leucine 671 retained).
Molecular consequence: synonymous variant. On other transcripts: non-coding transcript variant (3).
Genome position (GRCh38, 1-based): chr2:214,728,997, C>A on the plus strand (G>T on the coding strand, the complement: BARD1 is on the minus strand). VCF-style: chr2-214728997-C-A. GRCh37 (hg19) VCF-style: chr2-215593721-C-A.
Other names: c.1956G>T, p.Leu652= (NM_001282543.2); c.660G>T, p.Leu220= (NM_001282545.2); c.603G>T, p.Leu201= (NM_001282548.2); c.474G>T, p.Leu158= (NM_001282549.2).
Identifiers: ClinVar variation 1081037 (VCV001081037.13), dbSNP rs759021562, ClinGen allele CA431394175.